The following is an entry in ClinVar:

NM_001278716.2(FBXL4):c.1209A>G (p.Leu403=)

Gene: FBXL4 (F-box and leucine rich repeat protein 4; minus strand). Cytogenetic location: 6q16.1.
Variant type: single nucleotide variant.
Coding change: c.1209A>G on transcript NM_001278716.2 (MANE Select); coding-DNA position 1209, A replaced by G.
Protein change: p.Leu403=; no amino-acid change (leucine 403 retained).
Molecular consequence: synonymous variant. On other transcripts: non-coding transcript variant (2).
Genome position (GRCh38, 1-based): chr6:98,899,376, T>C on the plus strand (A>G on the coding strand, the complement: FBXL4 is on the minus strand). VCF-style: chr6-98899376-T-C. GRCh37 (hg19) VCF-style: chr6-99347252-T-C.
Other names: p.Leu403=; c.1209A>G, p.Leu403= (NM_012160.5).
Identifiers: ClinVar variation 437712 (VCV000437712.9), dbSNP rs764546116, ClinGen allele CA3933504.

ClinVar aggregate classification (germline): Conflicting classifications of pathogenicity. Review status: criteria provided, conflicting classifications (1 of 4 stars). 3 submissions from 3 submitters: Uncertain significance (1); Likely benign (2). Last evaluated 2025-12-24.

Conditions:
Mitochondrial DNA depletion syndrome 13. Also called: FBXL4-Related Encephalomyopathic Mitochondrial DNA Depletion Syndrome; Mitochondrial DNA depletion syndrome 13 (encephalomyopathic type). Identifiers: Orphanet 369897, MedGen C3809592, MONDO:0014198, OMIM 615471.

Allele frequency attached by ClinVar (database versions not stated): ExAC 0.00002; gnomAD exomes 0.00003 and 0.00004; gnomAD 0.00010 and 0.00012; TOPMed 0.00019.
gnomAD v4.1: 71 of 1,613,918 alleles (0.0044%); highest among the groups gnomAD compares: Middle Eastern, 0.033%; no homozygotes.

Submissions (3):

Labcorp Genetics (formerly Invitae), Labcorp
Classification: Likely benign. Last evaluated: 2025-12-24. Review status: criteria provided, single submitter. Criteria: Invitae Variant Classification Sherloc (09022015). Collection method: clinical testing. Allele origin: germline.

Mayo Clinic Laboratories, Mayo Clinic
Classification: Likely benign. Last evaluated: 2024-11-14. Review status: criteria provided, single submitter. Criteria: ACMG Guidelines, 2015. Collection method: clinical testing. Allele origin: germline. Observed: 1 variant allele.
Comment: BP4, BP7

Wong Mito Lab, Molecular and Human Genetics, Baylor College of Medicine
Classification: Uncertain significance for Mitochondrial DNA depletion syndrome 13. Last evaluated: 2017-08-10. Review status: criteria provided, single submitter. Criteria: ACMG Guidelines, 2015. Collection method: reference population. Allele origin: germline.
Comment: The NM_012160.4:c.1209A>G (NP_036292.2:p.Leu403=) [GRCH38: NC_000006.12:g.98899376T>C] variant in FBXL4 gene is interpretated to be a Uncertain Significance - Conflicting Evidence based on ACMG guidelines (PMID: 25741868). This variant meets one or more of the following evidence codes reported in the ACMG-guideline. PM2:This variant is absent in key population databases. BP4:Computational evidence/predictors indicate no impact on the FBXL4 structure, function, or protein-protein interaction. BP7:The variant is silent with non predicted splice impact. Based on this evidence code ClinGen Pathogenicity Calculator (PMID:28081714) suggested that the variant is Uncertain Significance - Conflicting Evidence.